The following is an entry in ClinVar:

ClinVar aggregate classification (germline): Likely benign (1 of 4 stars; one submission).

Allele frequency attached by ClinVar (database versions not stated): 1000 Genomes Project 30x 0.00078; 1000 Genomes Project 0.00080; gnomAD exomes 0.00218; ExAC 0.00221; TOPMed 0.00230; gnomAD 0.00239.
gnomAD v4.1: 3,544 of 1,610,308 alleles (0.22%); highest among the groups gnomAD compares: Non-Finnish European, 0.26%; 10 homozygotes.

Submission:

CeGaT Center for Human Genetics Tuebingen
Classification: Likely benign. Last evaluated: 2022-07-01. Review status: criteria provided, single submitter. Criteria: CeGaT Center For Human Genetics Tuebingen Variant Classification Criteria Version 2. Collection method: clinical testing. Allele origin: germline. Affected: yes. Observed: 1 variant allele.
Comment: ADH1C: BP4

NM_000669.5(ADH1C):c.828+6A>T

Gene: ADH1C (alcohol dehydrogenase 1C (class I), gamma polypeptide; minus strand). Cytogenetic location: 4q23.
Variant type: single nucleotide variant.
Coding change: c.828+6A>T on transcript NM_000669.5 (MANE Select); 6 bases into the intron after coding-DNA position 828, A replaced by T.
Molecular consequence: intron variant.
Genome position (GRCh38, 1-based): chr4:99,342,789, T>A on the plus strand (A>T on the coding strand, the complement: ADH1C is on the minus strand). VCF-style: chr4-99342789-T-A. GRCh37 (hg19) VCF-style: chr4-100263946-T-A.
Identifiers: ClinVar variation 2654965 (VCV002654965.24), dbSNP rs553651224, ClinGen allele CA3020304.